The following is an entry in ClinVar:

NC_000001.11:g.(?_235465599)_(235465734_?)del

Gene: B3GALNT2 (beta-1,3-N-acetylgalactosaminyltransferase 2; minus strand). Cytogenetic location: 1q42.3.
Variant type: Deletion.
Identifiers: ClinVar variation 540919 (VCV000540919.2).

ClinVar aggregate classification (germline): Pathogenic (1 of 4 stars; one submission).

Conditions:
Muscular dystrophy-dystroglycanopathy (congenital with brain and eye anomalies), type a, 11 (MDDGA11). Also called: Muscular dystrophy-dystroglycanopathy (congenital with brain and eye anomalies, type A, 11; WALKER-WARBURG SYNDROME OR MUSCLE-EYE-BRAIN DISEASE, B3GALNT2-RELATED; Congenital muscular dystrophy-dystroglycanopathy with brain and eye anomalies, type A11. Identifiers: Orphanet 588, Orphanet 899, MedGen C3554638, MONDO:0014071, OMIM 615181.

Submission:

Labcorp Genetics (formerly Invitae), Labcorp
Classification: Pathogenic for Muscular dystrophy-dystroglycanopathy (congenital with brain and eye anomalies), type a, 11. Last evaluated: 2019-07-12. Review status: criteria provided, single submitter. Criteria: Invitae Variant Classification Sherloc (09022015). Collection method: clinical testing. Allele origin: germline.
Comment: This variant is an out-of-frame deletion of the genomic region encompassing exon 7 of the B3GALNT2 gene. This is expected to create a premature translational stop signal and result in an absent or disrupted protein product. This variant has not been reported in the literature in individuals with B3GALNT2-related disease. Loss-of-function variants in B3GALNT2 are known to be pathogenic (PMID: 23453667). For these reasons, this variant has been classified as Pathogenic.